The following is an entry in ClinVar:

ClinVar aggregate classification (germline): Uncertain significance (1 of 4 stars; one submission).

Submission:

Labcorp Genetics (formerly Invitae), Labcorp
Classification: Uncertain significance. Last evaluated: 2025-02-18. Review status: criteria provided, single submitter. Criteria: Invitae Variant Classification Sherloc (09022015). Collection method: clinical testing. Allele origin: germline.
Comment: This sequence change replaces glutamic acid, which is acidic and polar, with aspartic acid, which is acidic and polar, at codon 929 of the ALPK3 protein (p.Glu929Asp). This variant is not present in population databases (gnomAD no frequency). This variant has not been reported in the literature in individuals affected with ALPK3-related conditions. Invitae Evidence Modeling of protein sequence and biophysical properties (such as structural, functional, and spatial information, amino acid conservation, physicochemical variation, residue mobility, and thermodynamic stability) indicates that this missense variant is not expected to disrupt ALPK3 protein function with a negative predictive value of 80%. In summary, the available evidence is currently insufficient to determine the role of this variant in disease. Therefore, it has been classified as a Variant of Uncertain Significance.

NM_020778.5(ALPK3):c.2181G>T (p.Glu727Asp)

Gene: ALPK3 (alpha kinase 3; plus strand). Cytogenetic location: 15q25.3.
Variant type: single nucleotide variant.
Coding change: c.2181G>T on transcript NM_020778.5 (MANE Select); coding-DNA position 2181, G replaced by T.
Protein change: p.Glu727Asp; replaces glutamic acid 727 with aspartic acid.
Molecular consequence: missense variant.
Genome position (GRCh38, 1-based): chr15:84,856,919, G>T. VCF-style: chr15-84856919-G-T. GRCh37 (hg19) VCF-style: chr15-85400150-G-T.
Other names: short protein forms E727D.
Identifiers: ClinVar variation 4778952 (VCV004778952.1).